The following is an entry in ClinVar:

ClinVar aggregate classification (germline): Uncertain significance. Review status: criteria provided, multiple submitters, no conflicts (2 of 4 stars). 3 submissions from 3 submitters: Uncertain significance (3). Last evaluated 2026-01-01.

Conditions:
Inborn genetic diseases. Identifiers: MedGen C0950123, MeSH D030342.
Early-infantile DEE. Also called: Early infantile epileptic encephalopathy; Early infantile epileptic encephalopathy with suppression bursts; Ohtahara syndrome. Identifiers: Orphanet 1934, MedGen C0393706, MONDO:0800491.

Allele frequency attached by ClinVar (database versions not stated): gnomAD exomes below 0.00001; ExAC 0.00001; gnomAD 0.00002; 1000 Genomes Project 30x 0.00031; 1000 Genomes Project 0.00040.
gnomAD v4.1: 5 of 1,612,422 alleles (0.00031%); highest among the groups gnomAD compares: East Asian, 0.011%; no homozygotes.

Submissions (3):

CeGaT Center for Human Genetics Tuebingen
Classification: Uncertain significance. Last evaluated: 2026-01-01. Review status: criteria provided, single submitter. Criteria: CeGaT Center For Human Genetics Tuebingen Variant Classification Criteria Version 2. Collection method: clinical testing. Allele origin: germline. Affected: yes. Observed: 1 variant allele.
Comment: SCN8A: PM2, PS4:Supporting

Ambry Genetics
Classification: Uncertain significance for Inborn genetic diseases. Last evaluated: 2025-04-30. Review status: criteria provided, single submitter. Criteria: Ambry Variant Classification Scheme 2023. Collection method: clinical testing. Allele origin: germline.

Labcorp Genetics (formerly Invitae), Labcorp
Classification: Uncertain significance for Early-infantile DEE. Last evaluated: 2024-10-27. Review status: criteria provided, single submitter. Criteria: Invitae Variant Classification Sherloc (09022015). Collection method: clinical testing. Allele origin: germline.
Comment: This sequence change replaces glutamine, which is neutral and polar, with arginine, which is basic and polar, at codon 687 of the SCN8A protein (p.Gln687Arg). The frequency data for this variant in the population databases is considered unreliable, as metrics indicate poor data quality at this position in the gnomAD database. This missense change has been observed in individual(s) with Lennox-Gastout syndrome (PMID: 34145886). ClinVar contains an entry for this variant (Variation ID: 2190426). Invitae Evidence Modeling of protein sequence and biophysical properties (such as structural, functional, and spatial information, amino acid conservation, physicochemical variation, residue mobility, and thermodynamic stability) indicates that this missense variant is not expected to disrupt SCN8A protein function with a negative predictive value of 95%. In summary, the available evidence is currently insufficient to determine the role of this variant in disease. Therefore, it has been classified as a Variant of Uncertain Significance.

Literature cited by the submitters: PubMed 34145886 (cited by Ambry Genetics and Labcorp Genetics (formerly Invitae), Labcorp).

NM_001330260.2(SCN8A):c.2060A>G (p.Gln687Arg)

Gene: SCN8A (sodium voltage-gated channel alpha subunit 8; plus strand). Cytogenetic location: 12q13.13.
Variant type: single nucleotide variant.
Coding change: c.2060A>G on transcript NM_001330260.2 (MANE Select); coding-DNA position 2060, A replaced by G.
Protein change: p.Gln687Arg; replaces glutamine 687 with arginine.
Molecular consequence: missense variant.
Genome position (GRCh38, 1-based): chr12:51,745,964, A>G. VCF-style: chr12-51745964-A-G. GRCh37 (hg19) VCF-style: chr12-52139748-A-G.
Other names: c.2060A>G, p.Gln687Arg (NM_001177984.3, NM_001369788.1, NM_014191.4); c.2060A>G (NM_014191.2); short protein forms Q687R.
Identifiers: ClinVar variation 2190426 (VCV002190426.9), dbSNP rs181076505, ClinGen allele CA6571414.
Genomic context (GRCh38, chr12:51,745,964, plus strand): 5'-CTACAACTGAGGTGGAAATTAAGAAGAAAGGCCCTGGATCTCTTTTAGTTTCCATGGACC[A>G]ATTAGCCTCCTACGGGCGGAAGGACAGAATCAACAGTATAATGAGTGTTGTTACAAATAC-3'
Protein context (NP_001317189.1, residues 677-697): GPGSLLVSMD[Gln687Arg]LASYGRKDRI